The following is an entry in ClinVar:

NM_005267.5(GJA8):c.293A>G (p.His98Arg)

Gene: GJA8 (gap junction protein alpha 8; plus strand). Cytogenetic location: 1q21.2.
Variant type: single nucleotide variant.
Coding change: c.293A>G on transcript NM_005267.5 (MANE Select); coding-DNA position 293, A replaced by G.
Protein change: p.His98Arg; replaces histidine 98 with arginine.
Molecular consequence: missense variant.
Genome position (GRCh38, 1-based): chr1:147,908,248, A>G. VCF-style: chr1-147908248-A-G. GRCh37 (hg19) VCF-style: chr1-147380375-A-G.
Other names: short protein forms H98R.
Identifiers: ClinVar variation 3236398 (VCV003236398.4), dbSNP rs2524889972.

ClinVar aggregate classification (germline): Conflicting classifications of pathogenicity. Review status: criteria provided, conflicting classifications (1 of 4 stars). 2 submissions from 2 submitters: Pathogenic (1); Uncertain significance (1). Last evaluated 2025-02-18.

Conditions:
Cataract 1 multiple types. Also called: CATARACT 1, POSTERIOR SUBCAPSULAR, WITH MICROCORNEA; CATARACT 1, STELLATE NUCLEAR, WITH MICROCORNEA; CATARACT, DUFFY-LINKED; CATARACT 1, MULTIPLE TYPES, WITH OR WITHOUT MICROCORNEA; CATARACT 1, NUCLEAR PROGRESSIVE; CATARACT 1 WITH MICROCORNEA. Identifiers: Orphanet 1377, MedGen C1861828, MONDO:0007285, OMIM 116200.

Submissions (2):

Molecular Genetics of Human Eye Development, Oxford Brookes University
Classification: Pathogenic for Cataract 1 multiple types. Last evaluated: 2025-02-18. Review status: criteria provided, single submitter. Criteria: ACMG Guidelines, 2015. Collection method: clinical testing. Allele origin: inherited. Affected: yes. Observed: 2 variant alleles.
Comment: The GJA8 c.293A>G; p.(His98Arg) variant was identified in a family with two individuals displaying bilateral congenital cataract and other systemic features. The variant is absent in genomic databases, including gnomAD v4.1, and predicted deleterious/damaging by several in silico prediction tools including SIFT, PolyPhen and AlphaMissense. The variant has been previously reported in patients with congenital eye anomalies (PMID: 36161833). The variant is classified pathogenic using PS1, PM1, PM2, PP1, PP3.

Dept. Genetics and Cancer, Menzies Institute for Medical Research, University of Tasmania
Classification: Uncertain significance for Cataract 1 multiple types. Last evaluated: 2023-01-21. Review status: criteria provided, single submitter. Criteria: ACMG Guidelines, 2015. Collection method: curation. Allele origin: germline. Affected: yes.
Comment: Variant identified and curated during a GJA8 specific review of the literature in relation to pediatric or congenital cataract. ACMG-AMP criteria applied: PM2(Supporting), PP3. Original variant report: PMID:25148791. The cataract phenotype reported for this variant is: Total lenticular. Gene review and curation guidelines are outlined in: DOI 10.1080/17469899.2023.2160320

Literature cited by the submitters: PubMed 25148791 (cited by Molecular Genetics of Human Eye Development, Oxford Brookes University and Dept. Genetics and Cancer, Menzies Institute for Medical Research, University of Tasmania).